The following is an entry in ClinVar:

ClinVar aggregate classification (germline): Likely pathogenic (1 of 4 stars; one submission).

Submission:

GeneDx
Classification: Likely pathogenic. Last evaluated: 2025-07-25. Review status: criteria provided, single submitter. Criteria: GeneDx Variant Classification Process June 2021. Collection method: clinical testing. Allele origin: germline. Affected: yes.
Comment: Not observed at significant frequency in large population cohorts (gnomAD); In silico analysis supports that this missense variant has a deleterious effect on protein structure/function; Has not been previously published as pathogenic or benign to our knowledge

NM_003718.5(CDK13):c.2963C>T (p.Thr988Ile)

Gene: CDK13 (cyclin dependent kinase 13; plus strand). Cytogenetic location: 7p14.1.
Variant type: single nucleotide variant.
Coding change: c.2963C>T on transcript NM_003718.5 (MANE Select); coding-DNA position 2963, C replaced by T.
Protein change: p.Thr988Ile; replaces threonine 988 with isoleucine.
Molecular consequence: missense variant.
Genome position (GRCh38, 1-based): chr7:40,078,785, C>T. VCF-style: chr7-40078785-C-T. GRCh37 (hg19) VCF-style: chr7-40118384-C-T.
Other names: c.2963C>T, p.Thr988Ile (NM_031267.4); short protein forms T988I.
Identifiers: ClinVar variation 4687041 (VCV004687041.1).